The following is an entry in ClinVar:

ClinVar aggregate classification (germline): Uncertain significance. Review status: criteria provided, multiple submitters, no conflicts (2 of 4 stars). 2 submissions from 2 submitters: Uncertain significance (2). Last evaluated 2023-03-24.

Submissions (2):

GeneDx
Classification: Uncertain significance. Last evaluated: 2023-03-24. Review status: criteria provided, single submitter. Criteria: GeneDx Variant Classification Process June 2021. Collection method: clinical testing. Allele origin: germline. Affected: yes.
Comment: Nonsense variant predicted to result in protein truncation or nonsense mediated decay in a gene or region of a gene for which loss of function is not a well-established mechanism of disease; Not observed at significant frequency in large population cohorts (gnomAD); Has not been previously published as pathogenic or benign to our knowledge

Blueprint Genetics
Classification: Uncertain significance. Last evaluated: 2021-10-01. Review status: criteria provided, single submitter. Criteria: ACMG Guidelines, 2015. Collection method: clinical testing. Allele origin: germline.

NM_001394062.1(MACF1):c.2371C>T (p.Arg791Ter)

Gene: MACF1 (microtubule actin crosslinking factor 1; plus strand). Cytogenetic location: 1p34.3.
Variant type: single nucleotide variant.
Coding change: c.2371C>T on transcript NM_001394062.1 (MANE Select); coding-DNA position 2371, C replaced by T.
Protein change: p.Arg791Ter; replaces arginine 791 with a stop codon.
Molecular consequence: nonsense.
Genome position (GRCh38, 1-based): chr1:39,297,635, C>T. VCF-style: chr1-39297635-C-T. GRCh37 (hg19) VCF-style: chr1-39763307-C-T.
Other names: c.2386C>T, p.Arg796Ter (NM_012090.5); short protein forms R791*, R796*.
Identifiers: ClinVar variation 2580467 (VCV002580467.2), dbSNP rs2521552167, ClinGen allele CA339770593.